The following is an entry in ClinVar:

ClinVar aggregate classification (germline): Uncertain significance. Review status: criteria provided, single submitter (1 of 4 stars). 2 submissions from 2 submitters: Uncertain significance (1). 1 of the submissions does not count toward it. Last evaluated 2025-09-11.

Conditions:
Familial dysautonomia. Also called: HSAN III; FD. Identifiers: Orphanet 1764, MedGen C0013364, MONDO:0009131, OMIM 223900. Disease mechanism: loss of function.

Allele frequency attached by ClinVar (database versions not stated): gnomAD exomes below 0.00001; gnomAD 0.00001; TOPMed 0.00002.
gnomAD v4.1: 6 of 1,614,002 alleles (0.00037%); highest among the groups gnomAD compares: East Asian, 0.0022%; no homozygotes.

Submissions (2):

Labcorp Genetics (formerly Invitae), Labcorp
Classification: Uncertain significance. Last evaluated: 2025-09-11. Review status: criteria provided, single submitter. Criteria: Invitae Variant Classification Sherloc (09022015). Collection method: clinical testing. Allele origin: germline.
Comment: This sequence change affects codon 1285 of the ELP1 mRNA. It is a 'silent' change, meaning that it does not change the encoded amino acid sequence of the ELP1 protein. This variant also falls at the last nucleotide of exon 35, which is part of the consensus splice site for this exon. This variant is present in population databases (no rsID available, gnomAD 0.06%). This variant has not been reported in the literature in individuals affected with ELP1-related conditions. ClinVar contains an entry for this variant (Variation ID: 862696). Variants that disrupt the consensus splice site are a relatively common cause of aberrant splicing (PMID: 17576681, 9536098). Algorithms developed to predict the effect of sequence changes on RNA splicing suggest that this variant is not likely to affect RNA splicing. In summary, the available evidence is currently insufficient to determine the role of this variant in disease. Therefore, it has been classified as a Variant of Uncertain Significance.

Natera, Inc.
Classification: Uncertain significance for Familial dysautonomia. Last evaluated: 2020-11-28. Review status: no assertion criteria provided. Collection method: clinical testing. Allele origin: germline. Not counted in ClinVar's aggregate classification.

Literature cited by the submitters: PubMed 17576681 (cited by Labcorp Genetics (formerly Invitae), Labcorp); PubMed 9536098 (cited by Labcorp Genetics (formerly Invitae), Labcorp).

NM_003640.5(ELP1):c.3855G>A (p.Pro1285=)

Gene: ELP1 (elongator acetyltransferase complex subunit 1; minus strand). Cytogenetic location: 9q31.3.
Variant type: single nucleotide variant.
Coding change: c.3855G>A on transcript NM_003640.5 (MANE Select); coding-DNA position 3855, G replaced by A.
Protein change: p.Pro1285=; no amino-acid change (proline 1285 retained).
Molecular consequence: synonymous variant.
Genome position (GRCh38, 1-based): chr9:108,877,995, C>T on the plus strand (G>A on the coding strand, the complement: ELP1 is on the minus strand). VCF-style: chr9-108877995-C-T. GRCh37 (hg19) VCF-style: chr9-111640275-C-T.
Other names: c.3513G>A, p.Pro1171= (NM_001318360.2); c.2808G>A, p.Pro936= (NM_001330749.2).
Identifiers: ClinVar variation 862696 (VCV000862696.5), dbSNP rs901285079, ClinGen allele CA197519180.
Genomic context (GRCh38, chr9:108,877,995, plus strand): 5'-TGAATACAATAACCCATGAAAATGATGAAAAAAATGCACACCGTCTCTGAGAAAACTTAC[C>T]GGGGTAGCTGAATTCTGCTGGTAAGTAAGAGTCCAAATTTCTGGAAGTGACCTTTCCATC-3'
Protein context (NP_003631.2, residues 1275-1295): TLTYQQNSAT[Pro1285=]VLGPNSTANS